The following is an entry in ClinVar:

NM_015512.5(DNAH1):c.10344C>T (p.Pro3448=)

Gene: DNAH1 (dynein axonemal heavy chain 1; plus strand). Cytogenetic location: 3p21.1.
Variant type: single nucleotide variant.
Coding change: c.10344C>T on transcript NM_015512.5 (MANE Select); coding-DNA position 10344, C replaced by T.
Protein change: p.Pro3448=; no amino-acid change (proline 3448 retained).
Molecular consequence: synonymous variant.
Genome position (GRCh38, 1-based): chr3:52,392,895, C>T. VCF-style: chr3-52392895-C-T. GRCh37 (hg19) VCF-style: chr3-52426911-C-T.
Identifiers: ClinVar variation 734462 (VCV000734462.35), dbSNP rs200295282, ClinGen allele CA2435808.

ClinVar aggregate classification (germline): Likely benign. Review status: criteria provided, multiple submitters, no conflicts (2 of 4 stars). 3 submissions from 3 submitters: Likely benign (3). Last evaluated 2025-11-18.

Conditions:
Spermatogenic failure 18. Identifiers: MedGen C4539783, MONDO:0054615, OMIM 617576.
Ciliary dyskinesia, primary, 37 (CILD37). Also called: CILIARY DYSKINESIA, PRIMARY, 37, WITH OR WITHOUT SITUS INVERSUS. Identifiers: MedGen C4539798, MONDO:0033204, OMIM 617577.

Allele frequency attached by ClinVar (database versions not stated): ExAC 0.00004; gnomAD 0.00004 and 0.00005; TOPMed 0.00004; gnomAD exomes 0.00005; 1000 Genomes Project 0.00020; 1000 Genomes Project 30x 0.00031.
gnomAD v4.1: 78 of 1,612,658 alleles (0.0048%); highest among the groups gnomAD compares: East Asian, 0.02%; no homozygotes.

Submissions (3):

Labcorp Genetics (formerly Invitae), Labcorp
Classification: Likely benign for Ciliary dyskinesia, primary, 37; Spermatogenic failure 18. Last evaluated: 2025-11-18. Review status: criteria provided, single submitter. Criteria: Invitae Variant Classification Sherloc (09022015). Collection method: clinical testing. Allele origin: germline.

Blueprint Genetics
Classification: Likely benign. Last evaluated: 2024-11-13. Review status: criteria provided, single submitter. Criteria: ACMG Guidelines, 2015. Collection method: clinical testing. Allele origin: germline.

CeGaT Center for Human Genetics Tuebingen
Classification: Likely benign. Last evaluated: 2023-03-01. Review status: criteria provided, single submitter. Criteria: CeGaT Center For Human Genetics Tuebingen Variant Classification Criteria Version 2. Collection method: clinical testing. Allele origin: germline. Affected: yes. Observed: 1 variant allele.
Comment: DNAH1: BP4, BP7